The following is an entry in ClinVar:

ClinVar aggregate classification (germline): Uncertain significance (1 of 4 stars; one submission).

Allele frequency attached by ClinVar (database versions not stated): ExAC 0.00001; gnomAD exomes 0.00001; gnomAD 0.00002; TOPMed 0.00002.
gnomAD v4.1: 24 of 1,614,148 alleles (0.0015%); highest among the groups gnomAD compares: African/African-American, 0.0027%; no homozygotes.

Submission:

Labcorp Genetics (formerly Invitae), Labcorp
Classification: Uncertain significance. Last evaluated: 2022-09-09. Review status: criteria provided, single submitter. Criteria: Invitae Variant Classification Sherloc (09022015). Collection method: clinical testing. Allele origin: germline.
Comment: This sequence change replaces arginine, which is basic and polar, with histidine, which is basic and polar, at codon 574 of the ACOX2 protein (p.Arg574His). This variant is present in population databases (rs769586511, gnomAD 0.004%). This variant has not been reported in the literature in individuals affected with ACOX2-related conditions. Advanced modeling of protein sequence and biophysical properties (such as structural, functional, and spatial information, amino acid conservation, physicochemical variation, residue mobility, and thermodynamic stability) performed at Invitae indicates that this missense variant is not expected to disrupt ACOX2 protein function. In summary, the available evidence is currently insufficient to determine the role of this variant in disease. Therefore, it has been classified as a Variant of Uncertain Significance.

NM_003500.4(ACOX2):c.1721G>A (p.Arg574His)

Gene: ACOX2 (acyl-CoA oxidase 2; minus strand). Cytogenetic location: 3p14.3.
Variant type: single nucleotide variant.
Coding change: c.1721G>A on transcript NM_003500.4 (MANE Select); coding-DNA position 1721, G replaced by A.
Protein change: p.Arg574His; replaces arginine 574 with histidine.
Molecular consequence: missense variant.
Genome position (GRCh38, 1-based): chr3:58,517,335, C>T on the plus strand (G>A on the coding strand, the complement: ACOX2 is on the minus strand). VCF-style: chr3-58517335-C-T. GRCh37 (hg19) VCF-style: chr3-58503062-C-T.
Other names: short protein forms R574H.
Identifiers: ClinVar variation 2184286 (VCV002184286.4), dbSNP rs769586511, ClinGen allele CA2471968.
Genomic context (GRCh38, chr3:58,517,335, plus strand): 5'-TCATGGAGAAAGTCACCCGAGTTAGTCAAGATTCCATGTATGGCATGGAGGTCACAGAGG[C>T]GCTTGAGCACCTGCTGAATCGCTGGTTCATTTTCTAGTTTCTCCAGAGCTTCTGTAAAAC-3'
Protein context (NP_003491.1, residues 564-584): NEPAIQQVLK[Arg574His]LCDLHAIHGI